The following is an entry in ClinVar:

ClinVar aggregate classification (germline): Conflicting classifications of pathogenicity. Review status: criteria provided, conflicting classifications (1 of 4 stars). 2 submissions from 2 submitters: Likely pathogenic (1); Uncertain significance (1). Last evaluated 2023-01-25.

Conditions:
Usher syndrome, type 4. Also called: USHER SYNDROME, TYPE IV. Identifiers: MedGen C4748364, MONDO:0029141, OMIM 618144.
ARSG-related disorder. Also called: ARSG-related condition.

Submissions (2):

Broad Center for Mendelian Genomics, Broad Institute of MIT and Harvard
Classification: Uncertain significance for Usher syndrome, type 4. Last evaluated: 2023-01-25. Review status: criteria provided, single submitter. Criteria: ACMG Guidelines, 2015. Collection method: curation. Allele origin: germline. Inheritance: Autosomal recessive inheritance.
Comment: The p.Lys222ValfsTer3 variant in ARSG has not been previously reported in individuals with Usher syndrome type 4 but has been identified in 0.0008% (1/125568) of chromosomes by TopMed (dbSNP ID: rs923958450). Although this variant has been seen in the general population in a heterozygous state, its frequency is low enough to be consistent with a recessive carrier frequency. This variant is predicted to cause a frameshift, which alters the protein‚Äôs amino acid sequence beginning at position 222 and leads to a premature termination codon 3 amino acids downstream. This alteration is then predicted to lead to a truncated or absent protein. While there is some evidence to suggest that loss of function of the ARSG gene is a disease mechanism in autosomal recessive Usher syndrome type 4, this association is not yet strongly established based on the criteria laid out in Tayoun, 2018 (PMID: 30192042). In summary, the clinical significance of the p.Lys222ValfsTer3 variant is uncertain. ACMG/AMP Criteria applied: PVS1_Moderate, PM2_Supporting (Richards 2015).

Blueprint Genetics
Classification: Likely pathogenic for ARSG-related disorders. Last evaluated: 2022-01-28. Review status: criteria provided, single submitter. Criteria: ACMG Guidelines, 2015. Collection method: clinical testing. Allele origin: germline. Affected: yes. Observed: 1 variant allele.

NM_001267727.2(ARSG):c.663_664del (p.Lys222fs)

Genes: ARSG (arylsulfatase G; plus strand), LOC130061524 (ATAC-STARR-seq lymphoblastoid active region 12647; plus strand). Cytogenetic location: 17q24.2.
Variant type: Deletion.
Coding change: c.663_664del on transcript NM_001267727.2 (MANE Select); coding-DNA positions 663 to 664, 2 bases deleted (GA; older notation c.663_664delGA).
Protein change: p.Lys222fs; shifts the reading frame from lysine 222.
Molecular consequence: frameshift variant.
Genome position (GRCh38, 1-based): chr17:68,356,763-68,356,764, GA deleted; deleting any 2 consecutive bases within chr17:68,356,762-68,356,764 gives the same sequence; the c. name uses the placement nearest the transcript's 3' end. VCF-style (leftmost placement, unchanged base first): chr17-68356761-CAG-C. GRCh37 (hg19) VCF-style: chr17-66352902-CAG-C.
Other names: NM_001352906.2:c.663_664del; c.663_664del, p.Lys222fs (NM_001352899.2, NM_001352900.2, NM_001352901.2 and 8 more transcripts); c.615_616del, p.Lys206fs (NM_001352909.2); short protein forms K206fs, K222fs.
Identifiers: ClinVar variation 2412753 (VCV002412753.2), dbSNP rs923958450, ClinGen allele CA293290406.